The following is an entry in ClinVar:

NM_005506.4(SCARB2):c.911A>G (p.Asn304Ser)

Gene: SCARB2 (scavenger receptor class B member 2; minus strand). Cytogenetic location: 4q21.1.
Variant type: single nucleotide variant.
Coding change: c.911A>G on transcript NM_005506.4 (MANE Select); coding-DNA position 911, A replaced by G.
Protein change: p.Asn304Ser; replaces asparagine 304 with serine.
Molecular consequence: missense variant.
Genome position (GRCh38, 1-based): chr4:76,174,227, T>C on the plus strand (A>G on the coding strand, the complement: SCARB2 is on the minus strand). VCF-style: chr4-76174227-T-C. GRCh37 (hg19) VCF-style: chr4-77095380-T-C.
Other names: c.482A>G, p.Asn161Ser (NM_001204255.2); short protein forms N304S, N161S.
Identifiers: ClinVar variation 462928 (VCV000462928.11), dbSNP rs150870503, ClinGen allele CA2970227.
Genomic context (GRCh38, chr4:76,174,227, plus strand): 5'-AGAACTCCTGAGCCCAGGCAGTTTCCCTCAGGTATACAGAAGCCGGCATTGTCTGACGTA[T>C]TGGCTAATATTTCTGCAGGAACTTTATACCGAAAGGCAGGCAGTCCCTGTACACTCTCAT-3'
Protein context (NP_005497.1, residues 294-314): RYKVPAEILA[Asn304Ser]TSDNAGFCIP

ClinVar aggregate classification (germline): Uncertain significance. Review status: criteria provided, multiple submitters, no conflicts (2 of 4 stars). 3 submissions from 3 submitters: Uncertain significance (3). Last evaluated 2024-03-20.

Conditions:
Inborn genetic diseases. Identifiers: MedGen C0950123, MeSH D030342.
Progressive myoclonic epilepsy. Also called: Familial progressive myoclonic epilepsy; Myoclonus epilepsy; Progressive myoclonus epilepsy; Myoclonic Epilepsies, Progressive. Identifiers: Orphanet 308, Orphanet 98261, MedGen C0751778, MONDO:0020074.
Action myoclonus-renal failure syndrome. Also called: MYOCLONUS-NEPHROPATHY SYNDROME; SCARB2-Related Action Myoclonus-Renal Failure Syndrome; EPILEPSY, PROGRESSIVE MYOCLONIC, 4, WITH RENAL FAILURE; EPILEPSY, PROGRESSIVE MYOCLONIC, 4, WITHOUT RENAL FAILURE. Identifiers: Orphanet 163696, MedGen C0751779, MeSH D020191, MONDO:0009699, OMIM 254900.

Allele frequency attached by ClinVar (database versions not stated): gnomAD exomes 0.00002 and 0.00005; ExAC 0.00003; gnomAD 0.00004; TOPMed 0.00004; ESP Exome Variant Server 0.00008.
gnomAD v4.1: 77 of 1,614,114 alleles (0.0048%); highest among the groups gnomAD compares: Non-Finnish European, 0.0058%; no homozygotes.

Submissions (3):

Fulgent Genetics
Classification: Uncertain significance for Action myoclonus-renal failure syndrome. Last evaluated: 2024-03-20. Review status: criteria provided, single submitter. Criteria: ACMG Guidelines, 2015. Collection method: clinical testing. Allele origin: germline.

Labcorp Genetics (formerly Invitae), Labcorp
Classification: Uncertain significance for Progressive myoclonic epilepsy. Last evaluated: 2023-08-17. Review status: criteria provided, single submitter. Criteria: Invitae Variant Classification Sherloc (09022015). Collection method: clinical testing. Allele origin: germline.
Comment: This sequence change replaces asparagine, which is neutral and polar, with serine, which is neutral and polar, at codon 304 of the SCARB2 protein (p.Asn304Ser). This variant is present in population databases (rs150870503, gnomAD 0.004%). This variant has not been reported in the literature in individuals affected with SCARB2-related conditions. ClinVar contains an entry for this variant (Variation ID: 462928). Advanced modeling of protein sequence and biophysical properties (such as structural, functional, and spatial information, amino acid conservation, physicochemical variation, residue mobility, and thermodynamic stability) performed at Invitae indicates that this missense variant is not expected to disrupt SCARB2 protein function. In summary, the available evidence is currently insufficient to determine the role of this variant in disease. Therefore, it has been classified as a Variant of Uncertain Significance.

Ambry Genetics
Classification: Uncertain significance for Inborn genetic diseases. Last evaluated: 2020-01-29. Review status: criteria provided, single submitter. Criteria: Ambry Variant Classification Scheme 2023. Collection method: clinical testing. Allele origin: germline.
Comment: The p.N304S variant (also known as c.911A>G), located in coding exon 7 of the SCARB2 gene, results from an A to G substitution at nucleotide position 911. The asparagine at codon 304 is replaced by serine, an amino acid with highly similar properties. This amino acid position is highly conserved in available vertebrate species. In addition, this alteration is predicted to be tolerated by in silico analysis. Since supporting evidence is limited at this time, the clinical significance of this alteration remains unclear.